The following is an entry in ClinVar:

ClinVar aggregate classification (germline): Uncertain significance (1 of 4 stars; one submission).

Allele frequency attached by ClinVar (database versions not stated): gnomAD exomes below 0.00001; ExAC 0.00001.
gnomAD v4.1: 1 of 1,614,020 alleles (0.000062%); highest among the groups gnomAD compares: African/African-American, 0.0013%; no homozygotes.

Submission:

Labcorp Genetics (formerly Invitae), Labcorp
Classification: Uncertain significance. Last evaluated: 2023-05-31. Review status: criteria provided, single submitter. Criteria: Invitae Variant Classification Sherloc (09022015). Collection method: clinical testing. Allele origin: germline.
Comment: In summary, the available evidence is currently insufficient to determine the role of this variant in disease. Therefore, it has been classified as a Variant of Uncertain Significance. An algorithm developed to predict the effect of missense changes on protein structure and function (PolyPhen-2) suggests that this variant is likely to be tolerated. This variant has not been reported in the literature in individuals affected with COL4A1-related conditions. This variant is present in population databases (rs773783727, gnomAD 0.008%). This sequence change replaces proline, which is neutral and non-polar, with leucine, which is neutral and non-polar, at codon 961 of the COL4A1 protein (p.Pro961Leu).

NM_001845.6(COL4A1):c.2882C>T (p.Pro961Leu)

Gene: COL4A1 (collagen type IV alpha 1 chain; minus strand). Cytogenetic location: 13q34.
Variant type: single nucleotide variant.
Coding change: c.2882C>T on transcript NM_001845.6 (MANE Select); coding-DNA position 2882, C replaced by T.
Protein change: p.Pro961Leu; replaces proline 961 with leucine.
Molecular consequence: missense variant.
Genome position (GRCh38, 1-based): chr13:110,176,712, G>A on the plus strand (C>T on the coding strand, the complement: COL4A1 is on the minus strand). VCF-style: chr13-110176712-G-A. GRCh37 (hg19) VCF-style: chr13-110829059-G-A.
Other names: short protein forms P961L.
Identifiers: ClinVar variation 2873443 (VCV002873443.3), dbSNP rs773783727, ClinGen allele CA7047457.